The following is an entry in ClinVar:

NM_000057.4(BLM):c.1802C>T (p.Ser601Phe)

Gene: BLM (BLM RecQ like helicase; plus strand). Cytogenetic location: 15q26.1.
Variant type: single nucleotide variant.
Coding change: c.1802C>T on transcript NM_000057.4 (MANE Select); coding-DNA position 1802, C replaced by T.
Protein change: p.Ser601Phe; replaces serine 601 with phenylalanine.
Molecular consequence: missense variant.
Genome position (GRCh38, 1-based): chr15:90,761,175, C>T. VCF-style: chr15-90761175-C-T. GRCh37 (hg19) VCF-style: chr15-91304405-C-T.
Other names: c.1802C>T (NM_000057.2); c.1802C>T, p.Ser601Phe (NM_001287246.2, NM_001287247.2); c.677C>T, p.Ser226Phe (NM_001287248.2); short protein forms S601F, S226F.
Identifiers: ClinVar variation 952566 (VCV000952566.12), dbSNP rs751951251, ClinGen allele CA393843874.

ClinVar aggregate classification (germline): Uncertain significance. Review status: criteria provided, multiple submitters, no conflicts (2 of 4 stars). 3 submissions from 3 submitters: Uncertain significance (2). 1 of the submissions does not count toward it. Last evaluated 2025-03-30.

Conditions:
Bloom syndrome (BLM). Also called: Bloom-Torre-Machacek syndrome. Identifiers: Orphanet 125, MedGen C0005859, MONDO:0008876, OMIM 210900.
Hereditary cancer-predisposing syndrome. Also called: Tumor predisposition; Hereditary neoplastic syndrome; Neoplastic Syndromes, Hereditary; Hereditary Cancer Syndrome. Identifiers: Orphanet 140162, MedGen C0027672, MeSH D009386, MONDO:0015356.

Submissions (3):

Ambry Genetics
Classification: Uncertain significance for Hereditary cancer-predisposing syndrome. Last evaluated: 2025-03-30. Review status: criteria provided, single submitter. Criteria: Ambry Variant Classification Scheme 2023. Collection method: clinical testing. Allele origin: germline.
Comment: The p.S601F variant (also known as c.1802C>T), located in coding exon 6 of the BLM gene, results from a C to T substitution at nucleotide position 1802. The serine at codon 601 is replaced by phenylalanine, an amino acid with highly dissimilar properties. This amino acid position is conserved. In addition, this alteration is predicted to be tolerated by in silico analysis. Based on the available evidence, the clinical significance of this variant remains unclear.

Labcorp Genetics (formerly Invitae), Labcorp
Classification: Uncertain significance for Bloom syndrome. Last evaluated: 2024-02-24. Review status: criteria provided, single submitter. Criteria: Invitae Variant Classification Sherloc (09022015). Collection method: clinical testing. Allele origin: germline.
Comment: This sequence change replaces serine, which is neutral and polar, with phenylalanine, which is neutral and non-polar, at codon 601 of the BLM protein (p.Ser601Phe). This variant is not present in population databases (gnomAD no frequency). This variant has not been reported in the literature in individuals affected with BLM-related conditions. ClinVar contains an entry for this variant (Variation ID: 952566). Advanced modeling of protein sequence and biophysical properties (such as structural, functional, and spatial information, amino acid conservation, physicochemical variation, residue mobility, and thermodynamic stability) performed at Invitae indicates that this missense variant is not expected to disrupt BLM protein function with a negative predictive value of 80%. In summary, the available evidence is currently insufficient to determine the role of this variant in disease. Therefore, it has been classified as a Variant of Uncertain Significance.

Natera, Inc.
Classification: Uncertain significance for Bloom syndrome. Last evaluated: 2019-02-25. Review status: no assertion criteria provided. Collection method: clinical testing. Allele origin: germline. Not counted in ClinVar's aggregate classification.